The following is an entry in ClinVar:

NM_004650.3(PNPLA4):c.243A>G (p.Val81=)

Genes: PNPLA4 (patatin like domain 4, phospholipase and triacylglycerol lipase; minus strand), LOC126863198 (BRD4-independent group 4 enhancer GRCh37_chrX:7889540-7890739; plus strand). Cytogenetic location: Xp22.31.
Variant type: single nucleotide variant.
Coding change: c.243A>G on transcript NM_004650.3 (MANE Select); coding-DNA position 243, A replaced by G.
Protein change: p.Val81=; no amino-acid change (valine 81 retained).
Molecular consequence: synonymous variant. On other transcripts: 5 prime UTR variant (1).
Genome position (GRCh38, 1-based): chrX:7,922,036, T>C on the plus strand (A>G on the coding strand, the complement: PNPLA4 is on the minus strand). VCF-style: chrX-7922036-T-C. GRCh37 (hg19) VCF-style: chrX-7890077-T-C.
Other names: c.243A>G, p.Val81= (NM_001142389.2); c.-19A>G (NM_001172672.2).
Identifiers: ClinVar variation 2659920 (VCV002659920.24), dbSNP rs34429369, ClinGen allele CA10342839.

ClinVar aggregate classification (germline): Likely benign (1 of 4 stars; one submission).

Allele frequency attached by ClinVar (database versions not stated): ExAC 0.00038; ESP Exome Variant Server 0.00038; gnomAD 0.00054; gnomAD exomes 0.00055; TOPMed 0.00058.
gnomAD v4.1: 660 of 1,207,849 alleles (0.055%); highest among the groups gnomAD compares: Admixed American, 0.094%; no homozygotes.

Submission:

CeGaT Center for Human Genetics Tuebingen
Classification: Likely benign. Last evaluated: 2023-04-01. Review status: criteria provided, single submitter. Criteria: CeGaT Center For Human Genetics Tuebingen Variant Classification Criteria Version 2. Collection method: clinical testing. Allele origin: germline. Affected: yes. Observed: 1 variant allele.
Comment: PNPLA4: BP4, BP7, BS2